The following is an entry in ClinVar:

NM_001329943.3(KIAA0586):c.3935T>C (p.Phe1312Ser)

Gene: KIAA0586 (KIAA0586; plus strand). Cytogenetic location: 14q23.1.
Variant type: single nucleotide variant.
Coding change: c.3935T>C on transcript NM_001329943.3 (MANE Select); coding-DNA position 3935, T replaced by C.
Protein change: p.Phe1312Ser; replaces phenylalanine 1312 with serine.
Molecular consequence: missense variant. On other transcripts: intron variant (1).
Genome position (GRCh38, 1-based): chr14:58,492,220, T>C. VCF-style: chr14-58492220-T-C. GRCh37 (hg19) VCF-style: chr14-58958938-T-C.
Other names: c.4094T>C, p.Phe1365Ser (NM_001244189.2); c.3890T>C, p.Phe1297Ser (NM_001244190.2); c.3680T>C, p.Phe1227Ser (NM_001244191.2, NM_001329945.2, NM_001364700.1 and 1 more transcripts); c.3803T>C, p.Phe1268Ser (NM_001244192.2); c.3515T>C, p.Phe1172Ser (NM_001244193.2); c.3935T>C, p.Phe1312Ser (NM_001329944.2, NM_001329946.2); c.3707T>C, p.Phe1236Ser (NM_014749.5); c.3858+1980T>C (NM_001329947.2); and 1 more; short protein forms F1172S, F1227S, F1236S, F1268S, F1297S, F1312S, F1365S.
Identifiers: ClinVar variation 1308612 (VCV001308612.7), dbSNP rs912168236, ClinGen allele CA261650058.

ClinVar aggregate classification (germline): Uncertain significance. Review status: criteria provided, multiple submitters, no conflicts (2 of 4 stars). 3 submissions from 3 submitters: Uncertain significance (3). Last evaluated 2022-05-19.

Conditions:
Joubert syndrome 23 (JBTS23). Identifiers: Orphanet 475, MedGen C4084822, MONDO:0014664, OMIM 616490.
Short-rib thoracic dysplasia 14 with polydactyly (SRTD14). Identifiers: Orphanet 397715, MedGen C4225286, MONDO:0014688, OMIM 616546.
Inborn genetic diseases. Identifiers: MedGen C0950123, MeSH D030342.

Allele frequency attached by ClinVar (database versions not stated): gnomAD 0.00001; gnomAD exomes 0.00001; TOPMed 0.00002.
gnomAD v4.1: 6 of 1,551,094 alleles (0.00039%); highest among the groups gnomAD compares: Non-Finnish European, 0.00044%; no homozygotes.

Submissions (3):

Labcorp Genetics (formerly Invitae), Labcorp
Classification: Uncertain significance for Joubert syndrome 23; Short-rib thoracic dysplasia 14 with polydactyly. Last evaluated: 2022-05-19. Review status: criteria provided, single submitter. Criteria: Invitae Variant Classification Sherloc (09022015). Collection method: clinical testing. Allele origin: germline.
Comment: This sequence change replaces phenylalanine, which is neutral and non-polar, with serine, which is neutral and polar, at codon 1365 of the KIAA0586 protein (p.Phe1365Ser). This variant is present in population databases (no rsID available, gnomAD 0.007%). This variant has not been reported in the literature in individuals affected with KIAA0586-related conditions. ClinVar contains an entry for this variant (Variation ID: 1308612). Algorithms developed to predict the effect of missense changes on protein structure and function are either unavailable or do not agree on the potential impact of this missense change (SIFT: "Deleterious"; PolyPhen-2: "Benign"; Align-GVGD: "Class C0"). In summary, the available evidence is currently insufficient to determine the role of this variant in disease. Therefore, it has been classified as a Variant of Uncertain Significance.

Ambry Genetics
Classification: Uncertain significance for Inborn genetic diseases. Last evaluated: 2021-12-07. Review status: criteria provided, single submitter. Criteria: Ambry Variant Classification Scheme 2023. Collection method: clinical testing. Allele origin: germline.

GeneDx
Classification: Uncertain significance. Last evaluated: 2019-04-09. Review status: criteria provided, single submitter. Criteria: GeneDx Variant Classification Process June 2021. Collection method: clinical testing. Allele origin: germline. Affected: yes.
Comment: In silico analysis, which includes protein predictors and evolutionary conservation, supports that this variant does not alter protein structure/function; Has not been previously published as pathogenic or benign to our knowledge